The following is an entry in ClinVar:

ClinVar aggregate classification (germline): Benign/Likely benign. Review status: criteria provided, multiple submitters, no conflicts (2 of 4 stars). 3 submissions from 3 submitters: Benign (2); Likely benign (1). Last evaluated 2024-03-26.

Conditions:
Inborn genetic diseases. Identifiers: MedGen C0950123, MeSH D030342.

Allele frequency attached by ClinVar (database versions not stated): TOPMed 0.00007; gnomAD 0.00008; 1000 Genomes Project 30x 0.00016; 1000 Genomes Project 0.00020.
gnomAD v4.1: 63 of 1,614,162 alleles (0.0039%); highest among the groups gnomAD compares: East Asian, 0.12%; no homozygotes.

Submissions (3):

Labcorp Genetics (formerly Invitae), Labcorp
Classification: Benign. Last evaluated: 2024-03-26. Review status: criteria provided, single submitter. Criteria: Invitae Variant Classification Sherloc (09022015). Collection method: clinical testing. Allele origin: germline.

Ambry Genetics
Classification: Likely benign for Inborn genetic diseases. Last evaluated: 2023-11-17. Review status: criteria provided, single submitter. Criteria: Ambry Variant Classification Scheme 2023. Collection method: clinical testing. Allele origin: germline.

CeGaT Center for Human Genetics Tuebingen
Classification: Benign. Last evaluated: 2022-08-01. Review status: criteria provided, single submitter. Criteria: CeGaT Center For Human Genetics Tuebingen Variant Classification Criteria Version 2. Collection method: clinical testing. Allele origin: germline. Affected: yes. Observed: 1 variant allele.
Comment: ARID1B: BS1, BS2

NM_001374828.1(ARID1B):c.5512G>A (p.Ala1838Thr)

Gene: ARID1B (AT-rich interaction domain 1B; plus strand). Cytogenetic location: 6q25.3.
Variant type: single nucleotide variant.
Coding change: c.5512G>A on transcript NM_001374828.1 (MANE Select); coding-DNA position 5512, G replaced by A.
Protein change: p.Ala1838Thr; replaces alanine 1838 with threonine.
Molecular consequence: missense variant.
Genome position (GRCh38, 1-based): chr6:157,206,284, G>A. VCF-style: chr6-157206284-G-A. GRCh37 (hg19) VCF-style: chr6-157527418-G-A.
Other names: c.5263G>A, p.Ala1755Thr (NM_001346813.1); c.3013G>A, p.Ala1005Thr (NM_001363725.2); c.5392G>A, p.Ala1798Thr (NM_001371656.1, NM_001374820.1); c.5353G>A, p.Ala1785Thr (NM_017519.3); c.5143G>A, p.Ala1715Thr (NM_020732.3); c.4930G>A, p.Ala1644Thr (NM_175863.2); short protein forms A1005T, A1644T, A1715T, A1755T, A1785T, A1798T, A1838T.
Identifiers: ClinVar variation 2657068 (VCV002657068.28), dbSNP rs546855765, ClinGen allele CA4067848.